The following is an entry in ClinVar:

NM_017752.3(TBC1D8B):c.1745T>C (p.Leu582Pro)

Gene: TBC1D8B (TBC1 domain family member 8B; plus strand). Cytogenetic location: Xq22.3.
Variant type: single nucleotide variant.
Coding change: c.1745T>C on transcript NM_017752.3 (MANE Select); coding-DNA position 1745, T replaced by C.
Protein change: p.Leu582Pro; replaces leucine 582 with proline.
Molecular consequence: missense variant.
Genome position (GRCh38, 1-based): chrX:106,848,211, T>C. VCF-style: chrX-106848211-T-C. GRCh37 (hg19) VCF-style: chrX-106091441-T-C.
Other names: c.1745T>C, p.Leu582Pro (NM_198881.2); short protein forms L582P.
Identifiers: ClinVar variation 1947799 (VCV001947799.5), dbSNP rs1932503540, ClinGen allele CA413807747.
Genomic context (GRCh38, chrX:106,848,211, plus strand): 5'-ATTTGCTTTTTAATACTGTTTTCTATGAATTTTAGGCAATGAATATTTTGACTTCAGTGC[T>C]GCTTCTATATGCAAAAGAGGAAGAAGCTTTTTGGCTTCTGGTTGCTGTATGTGAACGAAT-3'
Protein context (NP_060222.2, residues 572-592): CQAMNILTSV[Leu582Pro]LLYAKEEEAF

ClinVar aggregate classification (germline): Uncertain significance (1 of 4 stars; one submission).

Allele frequency attached by ClinVar (database versions not stated): gnomAD exomes below 0.00001; TOPMed 0.00001.

Submission:

Labcorp Genetics (formerly Invitae), Labcorp
Classification: Uncertain significance. Last evaluated: 2022-02-20. Review status: criteria provided, single submitter. Criteria: Invitae Variant Classification Sherloc (09022015). Collection method: clinical testing. Allele origin: germline.
Comment: This sequence change replaces leucine, which is neutral and non-polar, with proline, which is neutral and non-polar, at codon 582 of the TBC1D8B protein (p.Leu582Pro). This variant is not present in population databases (gnomAD no frequency). This variant has not been reported in the literature in individuals affected with TBC1D8B-related conditions. Algorithms developed to predict the effect of missense changes on protein structure and function are either unavailable or do not agree on the potential impact of this missense change (SIFT: "Deleterious"; PolyPhen-2: "Probably Damaging"; Align-GVGD: "Class C0"). In summary, the available evidence is currently insufficient to determine the role of this variant in disease. Therefore, it has been classified as a Variant of Uncertain Significance.